The following is an entry in ClinVar:

ClinVar aggregate classification (germline): Likely pathogenic (1 of 4 stars; one submission).

Allele frequency attached by ClinVar (database versions not stated): gnomAD exomes below 0.00001.
gnomAD v4.1: 1 of 1,613,760 alleles (0.000062%); highest among the groups gnomAD compares: Non-Finnish European, 0.000085%; no homozygotes.

Submission:

GeneDx
Classification: Likely pathogenic. Last evaluated: 2025-09-25. Review status: criteria provided, single submitter. Criteria: GeneDx Variant Classification Process June 2021. Collection method: clinical testing. Allele origin: germline. Affected: yes.
Comment: Occurs in the triple helical domain and replaces a glycine in a canonical Gly-X-Y repeat; missense substitution of a canonical glycine residue is expected to disrupt normal protein folding and function, and this is an established mechanism of disease (PMID: 34007986); Not observed at significant frequency in large population cohorts (gnomAD); In silico analysis supports that this missense variant has a deleterious effect on protein structure/function; Has not been previously published as pathogenic or benign to our knowledge; Also known as p.G118V; This variant is associated with the following publications: (PMID: 34007986)

NM_001844.5(COL2A1):c.953G>T (p.Gly318Val)

Gene: COL2A1 (collagen type II alpha 1 chain; minus strand). Cytogenetic location: 12q13.11.
Variant type: single nucleotide variant.
Coding change: c.953G>T on transcript NM_001844.5 (MANE Select); coding-DNA position 953, G replaced by T.
Protein change: p.Gly318Val; replaces glycine 318 with valine.
Molecular consequence: missense variant.
Genome position (GRCh38, 1-based): chr12:47,993,474, C>A on the plus strand (G>T on the coding strand, the complement: COL2A1 is on the minus strand). VCF-style: chr12-47993474-C-A. GRCh37 (hg19) VCF-style: chr12-48387257-C-A.
Other names: c.746G>T, p.Gly249Val (NM_033150.3); short protein forms G249V, G318V.
Identifiers: ClinVar variation 1305739 (VCV001305739.4), dbSNP rs2136607793, ClinGen allele CA384521784.